The following is an entry in ClinVar:

ClinVar aggregate classification (germline): Uncertain significance (1 of 4 stars; one submission).

Submission:

Women's Health and Genetics/Laboratory Corporation of America, LabCorp
Classification: Uncertain significance. Last evaluated: 2021-02-01. Review status: criteria provided, single submitter. Criteria: LabCorp Variant Classification Summary - May 2015. Collection method: clinical testing. Allele origin: germline.
Comment: Variant summary: MYH11 c.1596+6G>A alters a conserved nucleotide located close to a canonical splice site and therefore could affect mRNA splicing, leading to a significantly altered protein sequence. 4/4 computational tools predict no significant impact on normal splicing. However, these predictions have yet to be confirmed by functional studies. The variant was absent in 250772 control chromosomes (gnomAD). The available data on variant occurrences in the general population are insufficient to allow any conclusion about variant significance. To our knowledge, no occurrence of c.1596+6G>A in individuals affected with Thoracic Aortic Aneurysms And Dissections and no experimental evidence demonstrating its impact on protein function have been reported. No clinical diagnostic laboratories have submitted clinical-significance assessments for this variant to ClinVar after 2014. Based on the evidence outlined above, the variant was classified as uncertain significance.

NM_002474.3(MYH11):c.1575+6G>A

Gene: MYH11 (myosin heavy chain 11; minus strand). Cytogenetic location: 16p13.11.
Variant type: single nucleotide variant.
Coding change: c.1575+6G>A on transcript NM_002474.3 (MANE Select); 6 bases into the intron after coding-DNA position 1575, G replaced by A.
Molecular consequence: intron variant.
Genome position (GRCh38, 1-based): chr16:15,757,821, C>T on the plus strand (G>A on the coding strand, the complement: MYH11 is on the minus strand). VCF-style: chr16-15757821-C-T. GRCh37 (hg19) VCF-style: chr16-15851678-C-T.
Other names: c.1575+6G>A (NM_022844.3); c.1596+6G>A (NM_001040114.2, NM_001040113.2).
Identifiers: ClinVar variation 997925 (VCV000997925.1), dbSNP rs2041769693, ClinGen allele CA2209936007.
Genomic context (GRCh38, chr16:15,757,821, plus strand): 5'-GGCTCCACAGAGGCCACACACGTGTACAAGGTGTGACGGAGCCCCGCACGCCCACGTGCC[C>T]CTCACCGGTCGCTCGATGAGCTCGATGCAGGGCTGTAGGTCCAGCCCAAAGTCGATGAAG-3'